The following is an entry in ClinVar:

NM_000094.4(COL7A1):c.3702T>A (p.Cys1234Ter)

Gene: COL7A1 (collagen type VII alpha 1 chain; minus strand). Cytogenetic location: 3p21.31.
Variant type: single nucleotide variant.
Coding change: c.3702T>A on transcript NM_000094.4 (MANE Select); coding-DNA position 3702, T replaced by A.
Protein change: p.Cys1234Ter; replaces cysteine 1234 with a stop codon.
Molecular consequence: nonsense.
Genome position (GRCh38, 1-based): chr3:48,586,095, A>T on the plus strand (T>A on the coding strand, the complement: COL7A1 is on the minus strand). VCF-style: chr3-48586095-A-T. GRCh37 (hg19) VCF-style: chr3-48623528-A-T.
Other names: short protein forms C1234*.
Identifiers: ClinVar variation 934599 (VCV000934599.6), dbSNP rs2045235863, ClinGen allele CA352702719.

ClinVar aggregate classification (germline): Pathogenic (1 of 4 stars; one submission).

Submission:

Labcorp Genetics (formerly Invitae), Labcorp
Classification: Pathogenic. Last evaluated: 2019-06-05. Review status: criteria provided, single submitter. Criteria: Invitae Variant Classification Sherloc (09022015). Collection method: clinical testing. Allele origin: germline.
Comment: Loss-of-function variants in COL7A1 are known to be pathogenic (PMID: 16971478). This variant has not been reported in the literature in individuals with COL7A1-related conditions. This variant is not present in population databases (ExAC no frequency). This sequence change creates a premature translational stop signal (p.Cys1234*) in the COL7A1 gene. It is expected to result in an absent or disrupted protein product. For these reasons, this variant has been classified as Pathogenic.

Literature cited by the submitters: PubMed 16971478.